The following is an entry in ClinVar:

ClinVar aggregate classification (germline): Uncertain significance (1 of 4 stars; one submission).

Conditions:
Emery-Dreifuss muscular dystrophy 5, autosomal dominant (EDMD5). Also called: EMERY-DREIFUSS MUSCULAR DYSTROPHY 5. Identifiers: Orphanet 261, MedGen C2751805, MONDO:0013072, OMIM 612999.

Allele frequency attached by ClinVar (database versions not stated): gnomAD exomes below 0.00001.
gnomAD v4.1: 2 of 1,613,762 alleles (0.00012%); highest among the groups gnomAD compares: Non-Finnish European, 0.00017%; no homozygotes.

Submission:

Centre for Mendelian Genomics, University Medical Centre Ljubljana
Classification: Uncertain significance for Emery-Dreifuss muscular dystrophy 5, autosomal dominant. Last evaluated: 2019-11-18. Review status: criteria provided, single submitter. Criteria: ACMG Guidelines, 2015. Collection method: clinical testing. Allele origin: unknown. Affected: yes.
Comment: This variant was classified as: Uncertain significance. The available evidence on this variant's pathogenicity is insufficient or conflicting. The following ACMG criteria were applied in classifying this variant: PM2,PP3,BP1.

NM_182914.3(SYNE2):c.5359C>A (p.Gln1787Lys)

Gene: SYNE2 (spectrin repeat containing nuclear envelope protein 2; plus strand). Cytogenetic location: 14q23.2.
Variant type: single nucleotide variant.
Coding change: c.5359C>A on transcript NM_182914.3 (MANE Select); coding-DNA position 5359, C replaced by A.
Protein change: p.Gln1787Lys; replaces glutamine 1787 with lysine.
Molecular consequence: missense variant.
Genome position (GRCh38, 1-based): chr14:64,021,863, C>A. VCF-style: chr14-64021863-C-A. GRCh37 (hg19) VCF-style: chr14-64488581-C-A.
Other names: c.5359C>A, p.Gln1787Lys (NM_015180.6); short protein forms Q1787K.
Identifiers: ClinVar variation 930853 (VCV000930853.3), dbSNP rs2096938300, ClinGen allele CA389941317.